The following is an entry in ClinVar:

ClinVar aggregate classification (germline): Pathogenic (1 of 4 stars; one submission).

Conditions:
Hereditary spastic paraplegia 11. Also called: Spastic Paraplegia 11; Nakamura Osame syndrome; Autosomal recessive hereditary spastic paraplegia, mental impairment, and thin corpus callosum; SPASTIC PARAPLEGIA, AUTOSOMAL RECESSIVE, COMPLICATED, WITH THIN CORPUS CALLOSUM; SPASTIC PARAPLEGIA, AUTOSOMAL RECESSIVE, WITH MENTAL IMPAIRMENT AND THIN CORPUS CALLOSUM; Spastic paraplegia, mental retardation and thin corpus callosum. Identifiers: Orphanet 2822, MedGen C1858479, MONDO:0011445, OMIM 604360.

Submission:

Labcorp Genetics (formerly Invitae), Labcorp
Classification: Pathogenic for Hereditary spastic paraplegia 11. Last evaluated: 2024-10-31. Review status: criteria provided, single submitter. Criteria: Invitae Variant Classification Sherloc (09022015). Collection method: clinical testing. Allele origin: germline.
Comment: This sequence change creates a premature translational stop signal (p.Ala2142Glyfs*7) in the SPG11 gene. It is expected to result in an absent or disrupted protein product. Loss-of-function variants in SPG11 are known to be pathogenic (PMID: 19105190, 20110243, 22154821, 26556829). This variant is not present in population databases (gnomAD no frequency). This variant has not been reported in the literature in individuals affected with SPG11-related conditions. ClinVar contains an entry for this variant (Variation ID: 2732410). For these reasons, this variant has been classified as Pathogenic.

Literature cited by the submitters: PubMed 19105190; PubMed 20110243; PubMed 22154821; PubMed 26556829.

NM_025137.4(SPG11):c.6424dup (p.Ala2142fs)

Gene: SPG11 (SPG11 vesicle trafficking associated, spatacsin; minus strand). Cytogenetic location: 15q21.1.
Variant type: Duplication.
Coding change: c.6424dup on transcript NM_025137.4 (MANE Select); coding-DNA position 6424, one base duplicated (G; older notation c.6424dupG).
Protein change: p.Ala2142fs; shifts the reading frame from alanine 2142.
Molecular consequence: frameshift variant.
Genome position (GRCh38, 1-based): chr15:44,570,578, C duplicated on the plus strand (G on the coding strand, the reverse complement: SPG11 is on the minus strand). VCF-style (leftmost placement, unchanged base first): chr15-44570577-G-GC. GRCh37 (hg19) VCF-style: chr15-44862775-G-GC.
Other names: c.6085dup, p.Ala2029fs (NM_001160227.2); c.6280dup, p.Ala2094fs (NM_001411132.1); short protein forms A2029fs, A2094fs, A2142fs.
Identifiers: ClinVar variation 2732410 (VCV002732410.3), dbSNP rs2505205547, ClinGen allele CA2697554240.